The following is an entry in ClinVar:

NM_000257.4(MYH7):c.2044+4A>G

Gene: MYH7 (myosin heavy chain 7; minus strand). Cytogenetic location: 14q11.2.
Variant type: single nucleotide variant.
Coding change: c.2044+4A>G on transcript NM_000257.4 (MANE Select); 4 bases into the intron after coding-DNA position 2044, A replaced by G.
Molecular consequence: intron variant.
Genome position (GRCh38, 1-based): chr14:23,426,773, T>C on the plus strand (A>G on the coding strand, the complement: MYH7 is on the minus strand). VCF-style: chr14-23426773-T-C. GRCh37 (hg19) VCF-style: chr14-23895982-T-C.
Identifiers: ClinVar variation 1171669 (VCV001171669.2), dbSNP rs780521910, ClinGen allele CA030981.

ClinVar aggregate classification (germline): Uncertain significance (1 of 4 stars; one submission).

Conditions:
Cardiomyopathy (CMYO). Also called: Cardiomyopathies. Identifiers: Orphanet 167848, MedGen C0878544, MONDO:0004994, HP:0001638. Inheritance: Various modes of inheritance.

Allele frequency attached by ClinVar (database versions not stated): gnomAD exomes below 0.00001 and 0.00001; ExAC 0.00002.
gnomAD v4.1: 2 of 1,613,982 alleles (0.00012%); highest among the groups gnomAD compares: South Asian, 0.0022%; no homozygotes.

Submission:

Color Diagnostics, LLC DBA Color Health
Classification: Uncertain significance for Cardiomyopathy. Last evaluated: 2021-01-11. Review status: criteria provided, single submitter. Criteria: ACMG Guidelines, 2015. Collection method: clinical testing. Allele origin: germline.
Comment: This variant causes an A to G nucleotide substitution at the +4 position of intron 18 of the MYH7 gene. Splice prediction tools are inconclusive regarding the impact of this variant on RNA splicing. To our knowledge, functional studies have not been reported for this variant. This variant has not been reported in individuals affected with cardiovascular disorders in the literature. This variant has been identified in 2/251458 chromosomes in the general population by the Genome Aggregation Database (gnomAD). The available evidence is insufficient to determine the role of this variant in disease conclusively. Therefore, this variant is classified as a Variant of Uncertain Significance.